The following is an entry in ClinVar:

ClinVar aggregate classification (germline): Pathogenic (1 of 4 stars; one submission).

Submission:

Labcorp Genetics (formerly Invitae), Labcorp
Classification: Pathogenic. Last evaluated: 2022-06-13. Review status: criteria provided, single submitter. Criteria: Invitae Variant Classification Sherloc (09022015). Collection method: clinical testing. Allele origin: germline.
Comment: This variant is not present in population databases (gnomAD no frequency). For these reasons, this variant has been classified as Pathogenic. Algorithms developed to predict the effect of sequence changes on RNA splicing suggest that this variant may disrupt the consensus splice site. Disruption of this splice site has been observed in individual(s) with Hermansky-Pudlak syndrome (PMID: 32725903). This sequence change affects an acceptor splice site in intron 18 of the HPS5 gene. It is expected to disrupt RNA splicing. Variants that disrupt the donor or acceptor splice site typically lead to a loss of protein function (PMID: 16199547), and loss-of-function variants in HPS5 are known to be pathogenic (PMID: 12548288, 15296495, 21833017, 26785811).

Literature cited by the submitters: PubMed 32725903; PubMed 16199547; PubMed 12548288; PubMed 15296495; PubMed 21833017; PubMed 26785811.

NM_181507.2(HPS5):c.2718-2A>T

Gene: HPS5 (HPS5 biogenesis of lysosomal organelles complex 2 subunit 2; minus strand). Cytogenetic location: 11p15.1.
Variant type: single nucleotide variant.
Coding change: c.2718-2A>T on transcript NM_181507.2 (MANE Select); the canonical splice acceptor site of the intron before coding-DNA position 2718, A replaced by T.
Molecular consequence: splice acceptor variant. On other transcripts: intron variant (2).
Genome position (GRCh38, 1-based): chr11:18,286,712, T>A on the plus strand (A>T on the coding strand, the complement: HPS5 is on the minus strand). VCF-style: chr11-18286712-T-A. GRCh37 (hg19) VCF-style: chr11-18308259-T-A.
Other names: c.2304-2A>T (NM_001440929.1, NM_001440928.1, NM_001440927.1); c.2376-2A>T (NM_181508.2, NM_001440921.1, NM_001440926.1 and 6 more transcripts); c.2607-2A>T (NM_001440915.1, NM_001440914.1, NM_001440913.1); c.1863-2A>T (NM_001440931.1); c.2562-2A>T (NM_001440917.1); c.2718-2A>T (NM_001440906.1, NM_001440905.1, NM_001440903.1 and 2 more transcripts); c.2643-2A>T (NM_001440907.1, NM_001440909.1, NM_001440908.1); c.2375+823A>T (NM_001440930.1); and 3 more.
Identifiers: ClinVar variation 1995536 (VCV001995536.4), dbSNP rs2494478049, ClinGen allele CA379517209.
Genomic context (GRCh38, chr11:18,286,712, plus strand): 5'-AAAGCAGCCAATCCAACCTTAAAGACTCTGGTTGCAGAAGGGACTCAAGAAAAGATGACC[T>A]AAGAGAAAGTTGGGGAAAAAAGTCACCAATCTTCATGCTAAGAAAGGAAGCATAAAATGT-3'